The following is an entry in ClinVar:

ClinVar aggregate classification (germline): Uncertain significance (1 of 4 stars; one submission).

Submission:

Labcorp Genetics (formerly Invitae), Labcorp
Classification: Uncertain significance. Last evaluated: 2022-12-06. Review status: criteria provided, single submitter. Criteria: Invitae Variant Classification Sherloc (09022015). Collection method: clinical testing. Allele origin: germline.
Comment: In summary, the available evidence is currently insufficient to determine the role of this variant in disease. Therefore, it has been classified as a Variant of Uncertain Significance. Advanced modeling of protein sequence and biophysical properties (such as structural, functional, and spatial information, amino acid conservation, physicochemical variation, residue mobility, and thermodynamic stability) has been performed at Invitae for this missense variant, however the output from this modeling did not meet the statistical confidence thresholds required to predict the impact of this variant on COL2A1 protein function. ClinVar contains an entry for this variant (Variation ID: 1469997). This variant has not been reported in the literature in individuals affected with COL2A1-related conditions. This variant is not present in population databases (gnomAD no frequency). This sequence change replaces proline, which is neutral and non-polar, with serine, which is neutral and polar, at codon 158 of the COL2A1 protein (p.Pro158Ser).

NM_001844.5(COL2A1):c.472C>T (p.Pro158Ser)

Gene: COL2A1 (collagen type II alpha 1 chain; minus strand). Cytogenetic location: 12q13.11.
Variant type: single nucleotide variant.
Coding change: c.472C>T on transcript NM_001844.5 (MANE Select); coding-DNA position 472, C replaced by T.
Protein change: p.Pro158Ser; replaces proline 158 with serine.
Molecular consequence: missense variant.
Genome position (GRCh38, 1-based): chr12:47,997,665, G>A on the plus strand (C>T on the coding strand, the complement: COL2A1 is on the minus strand). VCF-style: chr12-47997665-G-A. GRCh37 (hg19) VCF-style: chr12-48391448-G-A.
Other names: c.265C>T, p.Pro89Ser (NM_033150.3); short protein forms P158S, P89S.
Identifiers: ClinVar variation 1469997 (VCV001469997.8), dbSNP rs2136626342, ClinGen allele CA384524834.